The following is an entry in ClinVar:

ClinVar aggregate classification (germline): Likely benign (1 of 4 stars; one submission).

Allele frequency attached by ClinVar (database versions not stated): gnomAD exomes 0.00056; 1000 Genomes Project 30x 0.00016; 1000 Genomes Project 0.00020; ExAC 0.00033; TOPMed 0.00036; gnomAD 0.00045.
gnomAD v4.1: 709 of 1,304,228 alleles (0.054%); highest among the groups gnomAD compares: South Asian, 0.069%; 2 homozygotes.

Submission:

CeGaT Center for Human Genetics Tuebingen
Classification: Likely benign. Last evaluated: 2022-03-01. Review status: criteria provided, single submitter. Criteria: CeGaT Center For Human Genetics Tuebingen Variant Classification Criteria Version 2. Collection method: clinical testing. Allele origin: germline. Affected: yes. Observed: 1 variant allele.
Comment: MPRIP: BP4, BP7

NM_001364716.4(MPRIP):c.4947C>T (p.Asp1649=)

Gene: MPRIP (myosin phosphatase Rho interacting protein; plus strand). Cytogenetic location: 17p11.2.
Variant type: single nucleotide variant.
Coding change: c.4947C>T on transcript NM_001364716.4 (MANE Select); coding-DNA position 4947, C replaced by T.
Protein change: p.Asp1649=; no amino-acid change (aspartic acid 1649 retained).
Molecular consequence: synonymous variant. On other transcripts: intron variant (2).
Genome position (GRCh38, 1-based): chr17:17,166,538, C>T. VCF-style: chr17-17166538-C-T. GRCh37 (hg19) VCF-style: chr17-17069852-C-T.
Other names: c.2164-5180C>T (NM_201274.4, NM_015134.4).
Identifiers: ClinVar variation 2647517 (VCV002647517.24), dbSNP rs531443181, ClinGen allele CA8415181.